The following is an entry in ClinVar:

ClinVar aggregate classification (germline): Uncertain significance (1 of 4 stars; one submission).

Conditions:
Nemaline myopathy 2 (NEM2). Also called: Nemaline myopathy 2, autosomal recessive. Identifiers: MedGen C1850569, MONDO:0009725, OMIM 256030.

Submission:

Labcorp Genetics (formerly Invitae), Labcorp
Classification: Uncertain significance for Nemaline myopathy 2. Last evaluated: 2021-12-20. Review status: criteria provided, single submitter. Criteria: Invitae Variant Classification Sherloc (09022015). Collection method: clinical testing. Allele origin: germline.
Comment: In summary, the available evidence is currently insufficient to determine the role of this variant in disease. Therefore, it has been classified as a Variant of Uncertain Significance. Algorithms developed to predict the effect of missense changes on protein structure and function are either unavailable or do not agree on the potential impact of this missense change (SIFT: "Deleterious"; PolyPhen-2: "Not Available"; Align-GVGD: "Class C0"). This variant has not been reported in the literature in individuals affected with NEB-related conditions. This variant is not present in population databases (gnomAD no frequency). This sequence change replaces tyrosine, which is neutral and polar, with histidine, which is basic and polar, at codon 3725 of the NEB protein (p.Tyr3725His).

NM_001164508.2(NEB):c.11173T>C (p.Tyr3725His)

Gene: NEB (nebulin; minus strand). Cytogenetic location: 2q23.3.
Variant type: single nucleotide variant.
Coding change: c.11173T>C on transcript NM_001164508.2 (MANE Select); coding-DNA position 11173, T replaced by C.
Protein change: p.Tyr3725His; replaces tyrosine 3725 with histidine.
Molecular consequence: missense variant.
Genome position (GRCh38, 1-based): chr2:151,617,372, A>G on the plus strand (T>C on the coding strand, the complement: NEB is on the minus strand). VCF-style: chr2-151617372-A-G. GRCh37 (hg19) VCF-style: chr2-152473886-A-G.
Other names: c.11173T>C, p.Tyr3725His (NM_001164507.2, NM_001271208.2); c.10444T>C, p.Tyr3482His (NM_004543.5); short protein forms Y3482H, Y3725H.
Identifiers: ClinVar variation 2049575 (VCV002049575.4), dbSNP rs2552231436, ClinGen allele CA348784800.